The following is an entry in ClinVar:

NM_012254.3(SLC27A5):c.465G>A (p.Ala155=)

Gene: SLC27A5 (solute carrier family 27 member 5; minus strand). Cytogenetic location: 19q13.43.
Variant type: single nucleotide variant.
Coding change: c.465G>A on transcript NM_012254.3 (MANE Select); coding-DNA position 465, G replaced by A.
Protein change: p.Ala155=; no amino-acid change (alanine 155 retained).
Molecular consequence: synonymous variant. On other transcripts: intron variant (1).
Genome position (GRCh38, 1-based): chr19:58,511,491, C>T on the plus strand (G>A on the coding strand, the complement: SLC27A5 is on the minus strand). VCF-style: chr19-58511491-C-T. GRCh37 (hg19) VCF-style: chr19-59022858-C-T.
Other names: c.436+29G>A (NM_001321196.2).
Identifiers: ClinVar variation 3031664 (VCV003031664.3), dbSNP rs759103284, ClinGen allele CA9718277.

ClinVar aggregate classification (germline): Likely benign. Review status: criteria provided, single submitter (1 of 4 stars). 2 submissions from 2 submitters: Likely benign (1). 1 of the submissions does not count toward it. Last evaluated 2025-06-29.

Conditions:
SLC27A5-related disorder. Also called: SLC27A5-related condition.

Allele frequency attached by ClinVar (database versions not stated): gnomAD 0.00003; TOPMed 0.00004; ExAC 0.00006.
gnomAD v4.1: 68 of 1,575,604 alleles (0.0043%); highest among the groups gnomAD compares: Non-Finnish European, 0.005%; no homozygotes.

Submissions (2):

Labcorp Genetics (formerly Invitae), Labcorp
Classification: Likely benign. Last evaluated: 2025-06-29. Review status: criteria provided, single submitter. Criteria: Invitae Variant Classification Sherloc (09022015). Collection method: clinical testing. Allele origin: germline.

PreventionGenetics, part of Exact Sciences
Classification: Likely benign for SLC27A5-related condition. Last evaluated: 2021-09-15. Review status: no assertion criteria provided. Collection method: clinical testing. Allele origin: germline. Not counted in ClinVar's aggregate classification.
Comment: This variant is classified as likely benign based on ACMG/AMP sequence variant interpretation guidelines (Richards et al. 2015 PMID: 25741868, with internal and published modifications).